The following is an entry in ClinVar:

ClinVar aggregate classification (germline): Likely benign (1 of 4 stars; one submission).

Allele frequency attached by ClinVar (database versions not stated): TOPMed below 0.00001; gnomAD 0.00001; gnomAD exomes 0.00001; ExAC 0.00002; 1000 Genomes Project 0.00020; 1000 Genomes Project 30x 0.00031.
gnomAD v4.1: 4 of 1,614,208 alleles (0.00025%); highest among the groups gnomAD compares: Non-Finnish European, 0.00025%; no homozygotes.

Submission:

GeneDx
Classification: Likely benign. Last evaluated: 2017-08-21. Review status: criteria provided, single submitter. Criteria: GeneDx Variant Classification (06012015). Collection method: clinical testing. Allele origin: germline. Affected: yes.
Comment: This variant is considered likely benign or benign based on one or more of the following criteria: it is a conservative change, it occurs at a poorly conserved position in the protein, it is predicted to be benign by multiple in silico algorithms, and/or has population frequency not consistent with disease.

NM_002241.5(KCNJ10):c.762C>A (p.Thr254=)

Gene: KCNJ10 (potassium inwardly rectifying channel subfamily J member 10; minus strand). Cytogenetic location: 1q23.2.
Variant type: single nucleotide variant.
Coding change: c.762C>A on transcript NM_002241.5 (MANE Select); coding-DNA position 762, C replaced by A.
Protein change: p.Thr254=; no amino-acid change (threonine 254 retained).
Molecular consequence: synonymous variant.
Genome position (GRCh38, 1-based): chr1:160,041,771, G>T on the plus strand (C>A on the coding strand, the complement: KCNJ10 is on the minus strand). VCF-style: chr1-160041771-G-T. GRCh37 (hg19) VCF-style: chr1-160011561-G-T.
Identifiers: ClinVar variation 511511 (VCV000511511.1), dbSNP rs569080326, ClinGen allele CA1193206.
Genomic context (GRCh38, chr1:160,041,771, plus strand): 5'-CTCACCACTGCGAAGAGGGAGATCTTTCAAGGGACTGGTCTCATCTACCACATGATAGAA[G>T]GTAAGGGGTAGAATAAGGAAGGGGCTGTCAGAGGCTGTGTCTACTTGGAAAGTCACATTG-3'
Protein context (NP_002232.2, residues 244-264): SDSPFLILPL[Thr254=]FYHVVDETSP